The following is an entry in ClinVar:

NM_000038.6(APC):c.4285C>T (p.Gln1429Ter)

Gene: APC (APC regulator of Wnt signaling pathway; plus strand). Cytogenetic location: 5q22.2.
Variant type: single nucleotide variant.
Coding change: c.4285C>T on transcript NM_000038.6 (MANE Select); coding-DNA position 4285, C replaced by T.
Protein change: p.Gln1429Ter; replaces glutamine 1429 with a stop codon.
Molecular consequence: nonsense.
Genome position (GRCh38, 1-based): chr5:112,839,879, C>T. VCF-style: chr5-112839879-C-T. GRCh37 (hg19) VCF-style: chr5-112175576-C-T.
Other names: c.4285C>T, p.Gln1429Ter (NM_001127510.3, NM_001354895.2); c.4231C>T, p.Gln1411Ter (NM_001127511.3); c.4339C>T, p.Gln1447Ter (NM_001354896.2); c.4315C>T, p.Gln1439Ter (NM_001354897.2); c.4210C>T, p.Gln1404Ter (NM_001354898.2); c.4201C>T, p.Gln1401Ter (NM_001354899.2); c.4162C>T, p.Gln1388Ter (NM_001354900.2); c.4108C>T, p.Gln1370Ter (NM_001354901.2); and 5 more; short protein forms Q1411*, Q1429*, Q1338*, Q1146*, Q1401*, Q1370*, Q1388*, Q1404*.
Identifiers: ClinVar variation 376063 (VCV000376063.6), dbSNP rs74535574, ClinGen allele CA16030720.

ClinVar aggregate classification (germline): Pathogenic. Review status: criteria provided, multiple submitters, no conflicts (2 of 4 stars). 2 submissions from 2 submitters: Pathogenic (2). Last evaluated 2023-12-14.
ClinVar aggregate classification (oncogenicity): Likely oncogenic (1 of 4 stars; one submission).

Conditions:
Familial adenomatous polyposis 1 (FAP1). Also called: FAMILIAL ADENOMATOUS POLYPOSIS 1, ATTENUATED; POLYPOSIS, ADENOMATOUS INTESTINAL. Identifiers: MedGen C2713442, MONDO:0021056, OMIM 175100. Disease mechanism: loss of function.
Neoplasm. Also called: Neoplasms; Neoplasm (disease); tumor. Identifiers: MedGen C0027651, MeSH D009369, MONDO:0005070, HP:0002664.

Submissions (3):

Center for Genomic Medicine, Rigshospitalet, Copenhagen University Hospital
Classification: Likely oncogenic for Neoplasm. Last evaluated: 2025-03-04. Review status: criteria provided, single submitter. Criteria: ClinGen/CGC/VICC Guidelines for Oncogenicity, 2022. Collection method: clinical testing. Allele origin: somatic. Affected: yes.

Institute of Human Genetics, University of Leipzig Medical Center
Classification: Pathogenic for Familial adenomatous polyposis 1. Last evaluated: 2023-12-14. Review status: criteria provided, single submitter. Criteria: ACMG Guidelines, 2015. Collection method: clinical testing. Allele origin: unknown. Inheritance: Autosomal dominant inheritance. Affected: yes.
Comment: Criteria applied: PVS1,PS4_MOD,PM2_SUP

Myriad Genetics, Inc.
Classification: Pathogenic for Familial adenomatous polyposis 1. Last evaluated: 2023-05-10. Review status: criteria provided, single submitter. Criteria: Myriad Autosomal Dominant, Autosomal Recessive and X-Linked Classification Criteria (2023). Collection method: clinical testing. Allele origin: unknown.
Comment: This variant is considered pathogenic. This variant creates a termination codon and is predicted to result in premature protein truncation.

Literature cited by the submitters: PubMed 34352208 (cited by Center for Genomic Medicine, Rigshospitalet, Copenhagen University Hospital).